The following is an entry in ClinVar:

ClinVar aggregate classification (germline): Benign (0 of 4 stars; one submission).

Conditions:
PPRC1-related disorder. Also called: PPRC1-related condition.

Allele frequency attached by ClinVar (database versions not stated): 1000 Genomes Project 30x 0.00094; 1000 Genomes Project 0.00100; ESP Exome Variant Server 0.00154; TOPMed 0.00223; gnomAD 0.00364.
gnomAD v4.1: 5,050 of 1,614,230 alleles (0.31%); highest among the groups gnomAD compares: Non-Finnish European, 0.23%; 55 homozygotes.

Submission:

PreventionGenetics, part of Exact Sciences
Classification: Benign for PPRC1-related condition. Last evaluated: 2019-06-11. Review status: no assertion criteria provided. Collection method: clinical testing. Allele origin: germline.
Comment: This variant is classified as benign based on ACMG/AMP sequence variant interpretation guidelines (Richards et al. 2015 PMID: 25741868, with internal and published modifications).

NM_015062.5(PPRC1):c.859G>C (p.Ala287Pro)

Genes: PPRC1 (PPARG related coactivator 1; plus strand), LOC126861022 (CDK7 strongly-dependent group 2 enhancer GRCh37_chr10:103897995-103899194; plus strand). Cytogenetic location: 10q24.32.
Variant type: single nucleotide variant.
Coding change: c.859G>C on transcript NM_015062.5 (MANE Select); coding-DNA position 859, G replaced by C.
Protein change: p.Ala287Pro; replaces alanine 287 with proline.
Molecular consequence: missense variant.
Genome position (GRCh38, 1-based): chr10:102,139,367, G>C. VCF-style: chr10-102139367-G-C. GRCh37 (hg19) VCF-style: chr10-103899124-G-C.
Other names: c.859G>C, p.Ala287Pro (NM_001288727.2); c.499G>C, p.Ala167Pro (NM_001288728.2); short protein forms A167P, A287P.
Identifiers: ClinVar variation 3033278 (VCV003033278.2), dbSNP rs146882245, ClinGen allele CA5660741.